The following is an entry in ClinVar:

ClinVar aggregate classification (germline): Conflicting classifications of pathogenicity. Review status: criteria provided, conflicting classifications (1 of 4 stars). 3 submissions from 3 submitters: Uncertain significance (2); Likely benign (1). Last evaluated 2025-06-13.

Conditions:
ZNF469-related disorder. Also called: ZNF469-related condition.
Cardiovascular phenotype. Identifiers: MedGen CN230736.

Allele frequency attached by ClinVar (database versions not stated): gnomAD exomes 0.00003.
gnomAD v4.1: 35 of 1,548,542 alleles (0.0023%); highest among the groups gnomAD compares: East Asian, 0.024%; no homozygotes.

Submissions (3):

Ambry Genetics
Classification: Likely benign for Cardiovascular phenotype. Last evaluated: 2025-06-13. Review status: criteria provided, single submitter. Criteria: Ambry Variant Classification Scheme 2023. Collection method: clinical testing. Allele origin: germline.

PreventionGenetics, part of Exact Sciences
Classification: Uncertain significance for ZNF469-related condition. Last evaluated: 2025-04-11. Review status: criteria provided, single submitter. Criteria: ACMG Guidelines, 2015. Collection method: clinical testing. Allele origin: germline.
Comment: The ZNF469 c.355C>T variant is predicted to result in the amino acid substitution p.Arg119Cys. To our knowledge, this variant has not been reported in the literature. This variant is reported in 0.016% of alleles in individuals of East Asian descent in gnomAD. At this time, the clinical significance of this variant is uncertain due to the absence of conclusive functional and genetic evidence.

GeneDx
Classification: Uncertain significance. Last evaluated: 2024-09-30. Review status: criteria provided, single submitter. Criteria: GeneDx Variant Classification Process June 2021. Collection method: clinical testing. Allele origin: germline. Affected: yes.
Comment: Has not been previously published as pathogenic or benign to our knowledge; In silico analysis indicates that this missense variant does not alter protein structure/function

NM_001367624.2(ZNF469):c.355C>T (p.Arg119Cys)

Gene: ZNF469 (zinc finger protein 469; plus strand). Cytogenetic location: 16q24.2.
Variant type: single nucleotide variant.
Coding change: c.355C>T on transcript NM_001367624.2 (MANE Select); coding-DNA position 355, C replaced by T.
Protein change: p.Arg119Cys; replaces arginine 119 with cysteine.
Molecular consequence: missense variant.
Genome position (GRCh38, 1-based): chr16:88,427,825, C>T. VCF-style: chr16-88427825-C-T. GRCh37 (hg19) VCF-style: chr16-88494233-C-T.
Other names: NM_001127464.1:c.355C>T; NM_001127464.2:c.355C>T; short protein forms R119C.
Identifiers: ClinVar variation 1326036 (VCV001326036.5), dbSNP rs991151770, ClinGen allele CA286371539.